The following is an entry in ClinVar:

ClinVar aggregate classification (germline): Uncertain significance. Review status: criteria provided, multiple submitters, no conflicts (2 of 4 stars). 2 submissions from 2 submitters: Uncertain significance (2). Last evaluated 2025-08-20.

Conditions:
Charcot-Marie-Tooth disease axonal type 2O. Also called: CHARCOT-MARIE-TOOTH NEUROPATHY, AXONAL, TYPE 2O; CHARCOT-MARIE-TOOTH DISEASE, AXONAL, AUTOSOMAL DOMINANT, TYPE 2O; Charcot-Marie-Tooth Neuropathy Type 2O; Charcot-Marie-Tooth disease, axonal, type 20. Identifiers: Orphanet 284232, MedGen C3280220, MONDO:0013644, OMIM 614228.
Inborn genetic diseases. Identifiers: MedGen C0950123, MeSH D030342.

Submissions (2):

Ambry Genetics
Classification: Uncertain significance for Inborn genetic diseases. Last evaluated: 2025-08-20. Review status: criteria provided, single submitter. Criteria: Ambry Variant Classification Scheme 2023. Collection method: clinical testing. Allele origin: germline.

Labcorp Genetics (formerly Invitae), Labcorp
Classification: Uncertain significance for Charcot-Marie-Tooth disease axonal type 2O. Last evaluated: 2022-10-23. Review status: criteria provided, single submitter. Criteria: Invitae Variant Classification Sherloc (09022015). Collection method: clinical testing. Allele origin: germline.
Comment: ClinVar contains an entry for this variant (Variation ID: 1407129). In summary, the available evidence is currently insufficient to determine the role of this variant in disease. Therefore, it has been classified as a Variant of Uncertain Significance. Advanced modeling of protein sequence and biophysical properties (such as structural, functional, and spatial information, amino acid conservation, physicochemical variation, residue mobility, and thermodynamic stability) performed at Invitae indicates that this missense variant is not expected to disrupt DYNC1H1 protein function. This variant has not been reported in the literature in individuals affected with DYNC1H1-related conditions. This variant is not present in population databases (gnomAD no frequency). This sequence change replaces glutamine, which is neutral and polar, with histidine, which is basic and polar, at codon 2169 of the DYNC1H1 protein (p.Gln2169His).

NM_001376.5(DYNC1H1):c.6507G>T (p.Gln2169His)

Gene: DYNC1H1 (dynein cytoplasmic 1 heavy chain 1; plus strand). Cytogenetic location: 14q32.31.
Variant type: single nucleotide variant.
Coding change: c.6507G>T on transcript NM_001376.5 (MANE Select); coding-DNA position 6507, G replaced by T.
Protein change: p.Gln2169His; replaces glutamine 2169 with histidine.
Molecular consequence: missense variant.
Genome position (GRCh38, 1-based): chr14:102,010,841, G>T. VCF-style: chr14-102010841-G-T. GRCh37 (hg19) VCF-style: chr14-102477178-G-T.
Other names: c.6507G>T (NM_001376.4); short protein forms Q2169H.
Identifiers: ClinVar variation 1407129 (VCV001407129.7), dbSNP rs2152578187, ClinGen allele CA391055691.